The following is an entry in ClinVar:

ClinVar aggregate classification (germline): Uncertain significance. Review status: criteria provided, multiple submitters, no conflicts (2 of 4 stars). 2 submissions from 2 submitters: Uncertain significance (2). Last evaluated 2023-02-21.

Conditions:
Hereditary cancer-predisposing syndrome. Also called: Neoplastic Syndromes, Hereditary; Tumor predisposition; Hereditary Cancer Syndrome; Hereditary neoplastic syndrome. Identifiers: Orphanet 140162, MedGen C0027672, MeSH D009386, MONDO:0015356.
Fanconi anemia (FA). Also called: Fanconi's anemia. Identifiers: Orphanet 84, MedGen C0015625, MeSH D005199, MONDO:0019391.

gnomAD v4.1: 3 of 1,610,262 alleles (0.00019%); highest among the groups gnomAD compares: Non-Finnish European, 0.00025%; no homozygotes.

Submissions (2):

Labcorp Genetics (formerly Invitae), Labcorp
Classification: Uncertain significance for Fanconi anemia. Last evaluated: 2023-02-21. Review status: criteria provided, single submitter. Criteria: Invitae Variant Classification Sherloc (09022015). Collection method: clinical testing. Allele origin: germline.
Comment: This sequence change replaces leucine, which is neutral and non-polar, with valine, which is neutral and non-polar, at codon 110 of the FANCC protein (p.Leu110Val). This variant is not present in population databases (gnomAD no frequency). This variant has not been reported in the literature in individuals affected with FANCC-related conditions. ClinVar contains an entry for this variant (Variation ID: 456160). Advanced modeling of protein sequence and biophysical properties (such as structural, functional, and spatial information, amino acid conservation, physicochemical variation, residue mobility, and thermodynamic stability) performed at Invitae indicates that this missense variant is not expected to disrupt FANCC protein function. In summary, the available evidence is currently insufficient to determine the role of this variant in disease. Therefore, it has been classified as a Variant of Uncertain Significance.

Ambry Genetics
Classification: Uncertain significance for Hereditary cancer-predisposing syndrome. Last evaluated: 2021-08-07. Review status: criteria provided, single submitter. Criteria: Ambry Variant Classification Scheme 2023. Collection method: clinical testing. Allele origin: germline.
Comment: The p.L110V variant (also known as c.328C>G), located in coding exon 3 of the FANCC gene, results from a C to G substitution at nucleotide position 328. The leucine at codon 110 is replaced by valine, an amino acid with highly similar properties. This amino acid position is conserved. In addition, this alteration is predicted to be tolerated by in silico analysis. Since supporting evidence is limited at this time, the clinical significance of this alteration remains unclear.

NM_000136.3(FANCC):c.328C>G (p.Leu110Val)

Gene: FANCC (FA complementation group C; minus strand). Cytogenetic location: 9q22.32.
Variant type: single nucleotide variant.
Coding change: c.328C>G on transcript NM_000136.3 (MANE Select); coding-DNA position 328, C replaced by G.
Protein change: p.Leu110Val; replaces leucine 110 with valine.
Molecular consequence: missense variant.
Genome position (GRCh38, 1-based): chr9:95,240,666, G>C on the plus strand (C>G on the coding strand, the complement: FANCC is on the minus strand). VCF-style: chr9-95240666-G-C. GRCh37 (hg19) VCF-style: chr9-98002948-G-C.
Other names: c.328C>G, p.Leu110Val (NM_001243743.2, NM_001243744.2); short protein forms L110V.
Identifiers: ClinVar variation 456160 (VCV000456160.11), dbSNP rs1554856102, ClinGen allele CA374339215.
Genomic context (GRCh38, chr9:95,240,666, plus strand): 5'-CAATTTAATTCAAAGAAGTGCAGAGCAAGATTTACTCTCTTACCTGTATCCAGGAGTTAA[G>C]TTTTGATTGTCCAGAATTCTGTGGTTCTTTGTTAATTAGACAACATAAGCACCATATTAG-3'
Protein context (NP_000127.2, residues 100-120): KEPQNSGQSK[Leu110Val]NSWIQGVLSH